The following is an entry in ClinVar:

ClinVar aggregate classification (germline): Uncertain significance (1 of 4 stars; one submission).

Allele frequency attached by ClinVar (database versions not stated): gnomAD 0.00002; TOPMed 0.00004; ESP Exome Variant Server 0.00008.
gnomAD v4.1: 10 of 1,614,012 alleles (0.00062%); highest among the groups gnomAD compares: East Asian, 0.011%; no homozygotes.

Submission:

Labcorp Genetics (formerly Invitae), Labcorp
Classification: Uncertain significance. Last evaluated: 2024-07-02. Review status: criteria provided, single submitter. Criteria: Invitae Variant Classification Sherloc (09022015). Collection method: clinical testing. Allele origin: germline.
Comment: This sequence change replaces lysine, which is basic and polar, with arginine, which is basic and polar, at codon 129 of the MCM5 protein (p.Lys129Arg). This variant is present in population databases (rs369681288, gnomAD 0.05%). This variant has not been reported in the literature in individuals affected with MCM5-related conditions. ClinVar contains an entry for this variant (Variation ID: 1959095). Advanced modeling of protein sequence and biophysical properties (such as structural, functional, and spatial information, amino acid conservation, physicochemical variation, residue mobility, and thermodynamic stability) performed at Invitae indicates that this missense variant is not expected to disrupt MCM5 protein function with a negative predictive value of 80%. In summary, the available evidence is currently insufficient to determine the role of this variant in disease. Therefore, it has been classified as a Variant of Uncertain Significance.

NM_006739.4(MCM5):c.386A>G (p.Lys129Arg)

Gene: MCM5 (minichromosome maintenance complex component 5; plus strand). Cytogenetic location: 22q12.3.
Variant type: single nucleotide variant.
Coding change: c.386A>G on transcript NM_006739.4 (MANE Select); coding-DNA position 386, A replaced by G.
Protein change: p.Lys129Arg; replaces lysine 129 with arginine.
Molecular consequence: missense variant.
Genome position (GRCh38, 1-based): chr22:35,403,505, A>G. VCF-style: chr22-35403505-A-G. GRCh37 (hg19) VCF-style: chr22-35799498-A-G.
Other names: short protein forms K129R.
Identifiers: ClinVar variation 1959095 (VCV001959095.5), dbSNP rs369681288, ClinGen allele CA10205003.